The following is an entry in ClinVar:

ClinVar aggregate classification (germline): Uncertain significance (1 of 4 stars; one submission).

Conditions:
Hereditary cancer-predisposing syndrome. Also called: Tumor predisposition; Hereditary Cancer Syndrome; Hereditary neoplastic syndrome; Neoplastic Syndromes, Hereditary. Identifiers: Orphanet 140162, MedGen C0027672, MeSH D009386, MONDO:0015356.

Submission:

Ambry Genetics
Classification: Uncertain significance for Hereditary cancer-predisposing syndrome. Last evaluated: 2023-07-09. Review status: criteria provided, single submitter. Criteria: Ambry Variant Classification Scheme 2023. Collection method: clinical testing. Allele origin: germline.
Comment: The p.E530A variant (also known as c.1589A>C), located in coding exon 8 of the ALK gene, results from an A to C substitution at nucleotide position 1589. The glutamic acid at codon 530 is replaced by alanine, an amino acid with dissimilar properties. This amino acid position is conserved. In addition, this alteration is predicted to be tolerated by in silico analysis. Since supporting evidence is limited at this time, the clinical significance of this alteration remains unclear.

NM_004304.5(ALK):c.1589A>C (p.Glu530Ala)

Gene: ALK (ALK receptor tyrosine kinase; minus strand). Cytogenetic location: 2p23.2.
Variant type: single nucleotide variant.
Coding change: c.1589A>C on transcript NM_004304.5 (MANE Select); coding-DNA position 1589, A replaced by C.
Protein change: p.Glu530Ala; replaces glutamic acid 530 with alanine.
Molecular consequence: missense variant.
Genome position (GRCh38, 1-based): chr2:29,318,362, T>G on the plus strand (A>C on the coding strand, the complement: ALK is on the minus strand). VCF-style: chr2-29318362-T-G. GRCh37 (hg19) VCF-style: chr2-29541228-T-G.
Other names: short protein forms E530A.
Identifiers: ClinVar variation 2624790 (VCV002624790.2), dbSNP rs1666895159, ClinGen allele CA346471181.